The following is an entry in ClinVar:

ClinVar aggregate classification (germline): Uncertain significance. Review status: criteria provided, multiple submitters, no conflicts (2 of 4 stars). 2 submissions from 2 submitters: Uncertain significance (2). Last evaluated 2024-05-21.

Conditions:
Inborn genetic diseases. Identifiers: MedGen C0950123, MeSH D030342.

Allele frequency attached by ClinVar (database versions not stated): gnomAD 0.00002; gnomAD exomes 0.00002; TOPMed 0.00003.
gnomAD v4.1: 29 of 1,613,236 alleles (0.0018%); highest among the groups gnomAD compares: Non-Finnish European, 0.0025%; no homozygotes.

Submissions (2):

Ambry Genetics
Classification: Uncertain significance for Inborn genetic diseases. Last evaluated: 2024-05-21. Review status: criteria provided, single submitter. Criteria: Ambry Variant Classification Scheme 2023. Collection method: clinical testing. Allele origin: germline.

Labcorp Genetics (formerly Invitae), Labcorp
Classification: Uncertain significance. Last evaluated: 2022-03-28. Review status: criteria provided, single submitter. Criteria: Invitae Variant Classification Sherloc (09022015). Collection method: clinical testing. Allele origin: germline.
Comment: This variant has not been reported in the literature in individuals affected with SI-related conditions. In summary, the available evidence is currently insufficient to determine the role of this variant in disease. Therefore, it has been classified as a Variant of Uncertain Significance. Advanced modeling of protein sequence and biophysical properties (such as structural, functional, and spatial information, amino acid conservation, physicochemical variation, residue mobility, and thermodynamic stability) performed at Invitae indicates that this missense variant is expected to disrupt SI protein function. This variant is present in population databases (no rsID available, gnomAD 0.002%). This sequence change replaces tryptophan, which is neutral and slightly polar, with arginine, which is basic and polar, at codon 609 of the SI protein (p.Trp609Arg).

NM_001041.4(SI):c.1825T>C (p.Trp609Arg)

Gene: SI (sucrase-isomaltase; minus strand). Cytogenetic location: 3q26.1.
Variant type: single nucleotide variant.
Coding change: c.1825T>C on transcript NM_001041.4 (MANE Select); coding-DNA position 1825, T replaced by C.
Protein change: p.Trp609Arg; replaces tryptophan 609 with arginine.
Molecular consequence: missense variant.
Genome position (GRCh38, 1-based): chr3:165,046,903, A>G on the plus strand (T>C on the coding strand, the complement: SI is on the minus strand). VCF-style: chr3-165046903-A-G. GRCh37 (hg19) VCF-style: chr3-164764691-A-G.
Other names: c.1825T>C (NM_001041.3); short protein forms W609R.
Identifiers: ClinVar variation 2192719 (VCV002192719.5), dbSNP rs1458541922, ClinGen allele CA355052184.